The following is an entry in ClinVar:

NM_000018.4(ACADVL):c.869del (p.Gly290fs)

Gene: ACADVL (acyl-CoA dehydrogenase very long chain; plus strand). Cytogenetic location: 17p13.1.
Variant type: Deletion.
Coding change: c.869del on transcript NM_000018.4 (MANE Select); coding-DNA position 869, one base deleted (G; older notation c.869delG).
Protein change: p.Gly290fs; shifts the reading frame from glycine 290.
Molecular consequence: frameshift variant.
Genome position (GRCh38, 1-based): chr17:7,222,293, G deleted; the last of 5 consecutive G bases (chr17:7,222,289-7,222,293); deleting any one gives the same sequence. VCF-style (leftmost placement, unchanged base first): chr17-7222288-CG-C. GRCh37 (hg19) VCF-style: chr17-7125607-CG-C.
Other names: c.938delG (NM_001270447.1); c.803del, p.Gly268fs (NM_001033859.3); c.938del, p.Gly313fs (NM_001270447.2); c.641del, p.Gly214fs (NM_001270448.2); short protein forms G214fs, G268fs, G290fs, G313fs.
Identifiers: ClinVar variation 869107 (VCV000869107.8), dbSNP rs886044671, ClinGen allele CA916083528.

ClinVar aggregate classification (germline): Pathogenic/Likely pathogenic. Review status: criteria provided, multiple submitters, no conflicts (2 of 4 stars). 2 submissions from 2 submitters: Pathogenic (1); Likely pathogenic (1). Last evaluated 2025-01-12.

Conditions:
Very long chain acyl-CoA dehydrogenase deficiency (ACADVLD). Also called: VLCAD Deficiency; Very Long-Chain Acyl-Coenzyme A Dehydrogenase Deficiency. Identifiers: Orphanet 26793, MedGen C3887523, MONDO:0008723, OMIM 201475.
Abnormality of the musculature. Identifiers: MedGen C4021745, HP:0003011.

Submissions (2):

Labcorp Genetics (formerly Invitae), Labcorp
Classification: Pathogenic for Very long chain acyl-CoA dehydrogenase deficiency. Last evaluated: 2025-01-12. Review status: criteria provided, single submitter. Criteria: Invitae Variant Classification Sherloc (09022015). Collection method: clinical testing. Allele origin: germline.
Comment: This sequence change creates a premature translational stop signal (p.Gly290Alafs*63) in the ACADVL gene. It is expected to result in an absent or disrupted protein product. Loss-of-function variants in ACADVL are known to be pathogenic (PMID: 9973285, 11590124). This variant is not present in population databases (gnomAD no frequency). This premature translational stop signal has been observed in individual(s) with very long-chain acyl-CoA dehydrogenase deficiency (PMID: 32558070). ClinVar contains an entry for this variant (Variation ID: 869107). For these reasons, this variant has been classified as Pathogenic.

Kariminejad - Najmabadi Pathology & Genetics Center
Classification: Likely pathogenic for Abnormality of the musculature. Last evaluated: 2021-07-10. Review status: criteria provided, single submitter. Criteria: ACMG Guidelines, 2015. Collection method: clinical testing. Allele origin: germline. Affected: yes.

Literature cited by the submitters: PubMed 9973285 (cited by Labcorp Genetics (formerly Invitae), Labcorp); PubMed 11590124 (cited by Labcorp Genetics (formerly Invitae), Labcorp); PubMed 32558070 (cited by Labcorp Genetics (formerly Invitae), Labcorp).